The following is an entry in ClinVar:

ClinVar aggregate classification (germline): Uncertain significance (1 of 4 stars; one submission).

Conditions:
Hereditary spastic paraplegia 48. Also called: SPASTIC PARAPLEGIA 48, AUTOSOMAL RECESSIVE; Spastic paraplegia 48. Identifiers: Orphanet 306511, MedGen C3150901, MONDO:0013342, OMIM 613647.

Allele frequency attached by ClinVar (database versions not stated): gnomAD exomes below 0.00001; TOPMed below 0.00001.
gnomAD v4.1: 3 of 1,562,368 alleles (0.00019%); highest among the groups gnomAD compares: Non-Finnish European, 0.00026%; no homozygotes.

Submission:

Labcorp Genetics (formerly Invitae), Labcorp
Classification: Uncertain significance for Hereditary spastic paraplegia 48. Last evaluated: 2017-10-05. Review status: criteria provided, single submitter. Criteria: Invitae Variant Classification Sherloc (09022015). Collection method: clinical testing. Allele origin: germline.
Comment: This sequence change replaces alanine with threonine at codon 121 of the AP5Z1 protein (p.Ala121Thr). The alanine residue is highly conserved and there is a small physicochemical difference between alanine and threonine. This variant is not present in population databases (ExAC no frequency). This variant has not been reported in the literature in individuals with AP5Z1-related disease. Algorithms developed to predict the effect of missense changes on protein structure and function do not agree on the potential impact of this missense change (SIFT: "Deleterious"; PolyPhen-2: "Possibly Damaging"; Align-GVGD: "Class C0"). In summary, the available evidence is currently insufficient to determine the role of this variant in disease. Therefore, it has been classified as a Variant of Uncertain Significance.

NM_014855.3(AP5Z1):c.361G>A (p.Ala121Thr)

Gene: AP5Z1 (adaptor related protein complex 5 subunit zeta 1; plus strand). Cytogenetic location: 7p22.1.
Variant type: single nucleotide variant.
Coding change: c.361G>A on transcript NM_014855.3 (MANE Select); coding-DNA position 361, G replaced by A.
Protein change: p.Ala121Thr; replaces alanine 121 with threonine.
Molecular consequence: missense variant. On other transcripts: non-coding transcript variant (1), intron variant (1).
Genome position (GRCh38, 1-based): chr7:4,781,749, G>A. VCF-style: chr7-4781749-G-A. GRCh37 (hg19) VCF-style: chr7-4821380-G-A.
Other names: c.361G>A, p.Ala121Thr (LRG_1247t1); c.-103+437G>A (NM_001364858.1); short protein forms A121T.
Identifiers: ClinVar variation 538858 (VCV000538858.8), dbSNP rs1181668776, ClinGen allele CA366675023.